The following is an entry in ClinVar:

ClinVar aggregate classification (germline): Uncertain significance. Review status: criteria provided, single submitter (1 of 4 stars). 2 submissions from 2 submitters: Uncertain significance (1). 1 of the submissions does not count toward it. Last evaluated 2025-03-20.

Conditions:
IL17RD-related disorder. Also called: IL17RD-related condition.

Allele frequency attached by ClinVar (database versions not stated): gnomAD 0.00003; TOPMed 0.00004.
gnomAD v4.1: 51 of 1,530,196 alleles (0.0033%); highest among the groups gnomAD compares: Admixed American, 0.004%; no homozygotes.

Submissions (2):

Ambry Genetics
Classification: Uncertain significance. Last evaluated: 2025-03-20. Review status: criteria provided, single submitter. Criteria: Ambry Variant Classification Scheme 2023. Collection method: clinical testing. Allele origin: germline.

PreventionGenetics, part of Exact Sciences
Classification: Uncertain significance for IL17RD-related condition. Last evaluated: 2024-06-26. Review status: no assertion criteria provided. Collection method: clinical testing. Allele origin: germline. Not counted in ClinVar's aggregate classification.
Comment: The IL17RD c.50G>T variant is predicted to result in the amino acid substitution p.Cys17Phe. To our knowledge, this variant has not been reported in the literature. This variant is reported in 0.012% of alleles in individuals of European (Non-Finnish) descent in gnomAD. At this time, the clinical significance of this variant is uncertain due to the absence of conclusive functional and genetic evidence.

NM_017563.5(IL17RD):c.50G>T (p.Cys17Phe)

Genes: IL17RD (interleukin 17 receptor D; minus strand), LOC129936924 (ATAC-STARR-seq lymphoblastoid silent region 14478; plus strand). Cytogenetic location: 3p14.3.
Variant type: single nucleotide variant.
Coding change: c.50G>T on transcript NM_017563.5 (MANE Select); coding-DNA position 50, G replaced by T.
Protein change: p.Cys17Phe; replaces cysteine 17 with phenylalanine.
Molecular consequence: missense variant. On other transcripts: intron variant (1).
Genome position (GRCh38, 1-based): chr3:57,165,237, C>A on the plus strand (G>T on the coding strand, the complement: IL17RD is on the minus strand). VCF-style: chr3-57165237-C-A. GRCh37 (hg19) VCF-style: chr3-57199265-C-A.
Other names: c.50G>T, p.Cys17Phe (NM_001080973.1); c.-307+3995G>T (NM_001318864.2); c.50G>T (NM_017563.4); short protein forms C17F.
Identifiers: ClinVar variation 2467056 (VCV002467056.4), dbSNP rs1050878306, ClinGen allele CA75375279.